The following is an entry in ClinVar:

ClinVar aggregate classification (germline): Conflicting classifications of pathogenicity. Review status: criteria provided, conflicting classifications (1 of 4 stars). 8 submissions from 8 submitters: Pathogenic (2); Likely pathogenic (3); Uncertain significance (1). 2 of the submissions do not count toward it. Last evaluated 2026-08-28.

Conditions:
Retinitis pigmentosa 26 (RP26). Identifiers: Orphanet 791, MedGen C1842127, MONDO:0012024, OMIM 608380.
Retinal dystrophy. Also called: Inherited retinal dystrophy. Identifiers: Orphanet 71862, MedGen C0854723, MeSH D058499, MONDO:0019118, HP:0000556.
CERKL-related disorders.

Allele frequency attached by ClinVar (database versions not stated): gnomAD 0.00001; gnomAD exomes 0.00001; TOPMed 0.00001.
gnomAD v4.1: 16 of 1,613,012 alleles (0.00099%); highest among the groups gnomAD compares: Non-Finnish European, 0.0012%; no homozygotes.

Submissions (8):

Myriad Genetics, Inc.
Classification: Uncertain significance for Retinitis pigmentosa 26. Last evaluated: 2026-08-28. Review status: criteria provided, single submitter. Criteria: Myriad Autosomal Dominant, Autosomal Recessive and X-Linked Classification Criteria (2023). Collection method: clinical testing. Allele origin: unknown.
Comment: NM_001030311.2(CERKL):c.1152-1G>C is a variant in a canonical splice site classified as a variant of uncertain significance in the context of retinitis pigmentosa, CERKL-related. c.1152-1G>C has been observed in cases with relevant disease (PMID: 39462066). Relevant functional assessments of this variant are not available in the literature. c.1152-1G>C has not been observed in referenced population frequency databases. In summary, there is insufficient evidence to classify NM_001030311.2(CERKL):c.1152-1G>C as pathogenic or benign. Please note: this variant was assessed in the context of healthy population screening.

Labcorp Genetics (formerly Invitae), Labcorp
Classification: Likely pathogenic. Last evaluated: 2025-09-02. Review status: criteria provided, single submitter. Criteria: Invitae Variant Classification Sherloc (09022015). Collection method: clinical testing. Allele origin: germline.
Comment: This sequence change affects an acceptor splice site in intron 8 of the CERKL gene. It is expected to disrupt RNA splicing. Variants that disrupt the donor or acceptor splice site typically lead to a loss of protein function (PMID: 16199547), and loss-of-function variants in CERKL are known to be pathogenic (PMID: 14681825, 23591405, 24043777). This variant is not present in population databases (gnomAD no frequency). This variant has not been reported in the literature in individuals affected with CERKL-related conditions. ClinVar contains an entry for this variant (Variation ID: 948491). Algorithms developed to predict the effect of sequence changes on RNA splicing suggest that this variant may disrupt the consensus splice site. In summary, the currently available evidence indicates that the variant is pathogenic, but additional data are needed to prove that conclusively. Therefore, this variant has been classified as Likely Pathogenic.

Blueprint Genetics
Classification: Likely pathogenic for CERKL-related disorders. Last evaluated: 2024-05-06. Review status: criteria provided, single submitter. Criteria: ACMG Guidelines, 2015. Collection method: clinical testing. Allele origin: germline. Affected: yes. Observed: 2 variant alleles.

Baylor Genetics
Classification: Pathogenic for Retinitis pigmentosa 26. Last evaluated: 2023-10-20. Review status: criteria provided, single submitter. Criteria: ACMG Guidelines, 2015. Collection method: clinical testing. Allele origin: unknown.

Institute of Human Genetics, University of Leipzig Medical Center
Classification: Pathogenic for Retinitis pigmentosa 26. Last evaluated: 2021-08-24. Review status: criteria provided, single submitter. Criteria: ACMG Guidelines, 2015. Collection method: clinical testing. Allele origin: unknown. Affected: yes.
Comment: This variant was identified as compound heterozygous with NM_001030311.3:c.1090C>T.

Fulgent Genetics
Classification: Likely pathogenic for Retinitis pigmentosa 26. Last evaluated: 2021-08-04. Review status: criteria provided, single submitter. Criteria: ACMG Guidelines, 2015. Collection method: clinical testing. Allele origin: unknown.

Natera, Inc.
Classification: Likely pathogenic for Retinitis Pigmentosa 26. Last evaluated: 2021-01-13. Review status: no assertion criteria provided. Collection method: clinical testing. Allele origin: germline. Not counted in ClinVar's aggregate classification.

Institute of Human Genetics, Univ. Regensburg, Univ. Regensburg
Classification: Pathogenic for Retinal dystrophy. Last evaluated: 2021-01-01. Review status: no assertion criteria provided. Criteria: ACMG Guidelines, 2015. Collection method: clinical testing. Allele origin: germline. Affected: yes. Not counted in ClinVar's aggregate classification.

Literature cited by the submitters: PubMed 39462066 (cited by Myriad Genetics, Inc.); PubMed 16199547 (cited by Labcorp Genetics (formerly Invitae), Labcorp); PubMed 14681825 (cited by Labcorp Genetics (formerly Invitae), Labcorp); PubMed 23591405 (cited by Labcorp Genetics (formerly Invitae), Labcorp); PubMed 24043777 (cited by Labcorp Genetics (formerly Invitae), Labcorp).

NM_201548.5(CERKL):c.1074-1G>C

Gene: CERKL (CERK like autophagy regulator; minus strand). Cytogenetic location: 2q31.3.
Variant type: single nucleotide variant.
Coding change: c.1074-1G>C on transcript NM_201548.5 (MANE Select); the canonical splice acceptor site of the intron before coding-DNA position 1074, G replaced by C.
Molecular consequence: splice acceptor variant.
Genome position (GRCh38, 1-based): chr2:181,548,605, C>G on the plus strand (G>C on the coding strand, the complement: CERKL is on the minus strand). VCF-style: chr2-181548605-C-G. GRCh37 (hg19) VCF-style: chr2-182413332-C-G.
Other names: c.1020-1G>C (NM_001160277.2); c.867-1G>C (NM_001030313.3); c.1152-1G>C (NM_001030311.3); c.735-1G>C (NM_001030312.3).
Identifiers: ClinVar variation 948491 (VCV000948491.17), dbSNP rs927261937, ClinGen allele CA61583218.
Genomic context (GRCh38, chr2:181,548,605, plus strand): 5'-CTTTCTTGCACATCATCAGAGCTGTTAAATGGTAAAAATGATATTTCACAGTCTTCTGCC[C>G]TAAAATGTAATGAAATTTGTTATTAACAGTCATTGAACCTGGGATACAATTTTTGGTTTA-3'